The following is an entry in ClinVar:

NM_001184.4(ATR):c.6458A>G (p.His2153Arg)

Gene: ATR (ATR serine/threonine kinase; minus strand). Cytogenetic location: 3q23.
Variant type: single nucleotide variant.
Coding change: c.6458A>G on transcript NM_001184.4 (MANE Select); coding-DNA position 6458, A replaced by G.
Protein change: p.His2153Arg; replaces histidine 2153 with arginine.
Molecular consequence: missense variant.
Genome position (GRCh38, 1-based): chr3:142,469,431, T>C on the plus strand (A>G on the coding strand, the complement: ATR is on the minus strand). VCF-style: chr3-142469431-T-C. GRCh37 (hg19) VCF-style: chr3-142188273-T-C.
Other names: c.6266A>G, p.His2089Arg (NM_001354579.2); short protein forms H2089R, H2153R.
Identifiers: ClinVar variation 3463317 (VCV003463317.1).

ClinVar aggregate classification (germline): Uncertain significance (1 of 4 stars; one submission).

Conditions:
Inborn genetic diseases. Identifiers: MedGen C0950123, MeSH D030342.

Submission:

Ambry Genetics
Classification: Uncertain significance for Inborn genetic diseases. Last evaluated: 2024-11-01. Review status: criteria provided, single submitter. Criteria: Ambry Variant Classification Scheme 2023. Collection method: clinical testing. Allele origin: germline.
Comment: The p.H2153R variant (also known as c.6458A>G), located in coding exon 38 of the ATR gene, results from an A to G substitution at nucleotide position 6458. The histidine at codon 2153 is replaced by arginine, an amino acid with highly similar properties. This amino acid position is conserved. In addition, this alteration is predicted to be tolerated by in silico analysis. Based on the available evidence, the clinical significance of this variant remains unclear.